The following is an entry in ClinVar:

ClinVar aggregate classification (germline): Pathogenic (1 of 4 stars; one submission).

Submission:

Labcorp Genetics (formerly Invitae), Labcorp
Classification: Pathogenic. Last evaluated: 2023-06-16. Review status: criteria provided, single submitter. Criteria: Invitae Variant Classification Sherloc (09022015). Collection method: clinical testing. Allele origin: unknown.
Comment: For these reasons, this variant has been classified as Pathogenic. This variant has not been reported in the literature in individuals affected with HACD1-related conditions. This variant is a gross deletion of the genomic region encompassing exon(s) 2-4 of the HACD1 gene. This deletion is out-of-frame, and is expected to create a premature termination codon and result in an absent or disrupted protein product. Loss-of-function variants in HACD1 are known to be pathogenic (PMID: 23933735).

Literature cited by the submitters: PubMed 23933735.

NC_000010.10:g.(?_17645539)_(17646066_?)del

Gene: HACD1 (3-hydroxyacyl-CoA dehydratase 1; minus strand). Cytogenetic location: 10p12.33.
Variant type: Deletion.
Identifiers: ClinVar variation 3244989 (VCV003244989.1).